The following is an entry in ClinVar:

ClinVar aggregate classification (germline): Uncertain significance (1 of 4 stars; one submission).

Conditions:
Progressive familial heart block type IB (PFHB1B). Identifiers: Orphanet 871, MedGen C1970298, MONDO:0011474, OMIM 604559.

Submission:

Labcorp Genetics (formerly Invitae), Labcorp
Classification: Uncertain significance for Progressive familial heart block type IB. Last evaluated: 2025-11-04. Review status: criteria provided, single submitter. Criteria: Invitae Variant Classification Sherloc (09022015). Collection method: clinical testing. Allele origin: germline.
Comment: This variant results in the deletion of part of exon 10 (c.1263_1263+22del) of the TRPM4 gene. It is expected to disrupt RNA splicing. Variants that disrupt the donor or acceptor splice site typically lead to a loss of protein function (PMID: 16199547), however the current clinical and genetic evidence is not sufficient to establish whether loss-of-function variants in TRPM4 cause disease. This variant is not present in population databases (gnomAD no frequency). This variant has not been reported in the literature in individuals affected with TRPM4-related conditions. In summary, the available evidence is currently insufficient to determine the role of this variant in disease. Therefore, it has been classified as a Variant of Uncertain Significance.

Literature cited by the submitters: PubMed 16199547.

NM_017636.4(TRPM4):c.1263_1263+22del

Gene: TRPM4 (transient receptor potential cation channel subfamily M member 4; plus strand). Cytogenetic location: 19q13.33.
Variant type: Deletion.
Coding change: c.1263_1263+22del on transcript NM_017636.4 (MANE Select); coding-DNA position 1263 through 22 bases into the intron after coding-DNA position 1263, 23 bases deleted (GGTGAGGGGTCAGGGCCTGGGGG).
Molecular consequence: splice donor variant. On other transcripts: intron variant (1).
Genome position (GRCh38, 1-based): chr19:49,181,461-49,181,483, GGTGAGGGGTCAGGGCCTGGGGG deleted; deleting any 23 consecutive bases within chr19:49,181,460-49,181,483 gives the same sequence; the c. name uses the placement nearest the transcript's 3' end. VCF-style (leftmost placement, unchanged base first): chr19-49181459-CGGGTGAGGGGTCAGGGCCTGGGG-C. GRCh37 (hg19) VCF-style: chr19-49684716-CGGGTGAGGGGTCAGGGCCTGGGG-C.
Other names: c.1263_1263+22del (NM_001195227.2); c.-291_-291+22del (NM_001321282.2); c.918_918+22del (NM_001321281.2); c.741_741+22del (NM_001321283.2); c.202-1117_202-1095del (NM_001321285.2).
Identifiers: ClinVar variation 4730451 (VCV004730451.1).
Genomic context (GRCh38, chr19:49,181,459, plus strand): 5'-GTGGCTTGGAACCGCGTGGACATTGCCCAGAGTGAACTCTTTCGGGGGGACATCCAATGG[CGGGTGAGGGGTCAGGGCCTGGGG>C]GTTGGGCATACTGACAAAGGGACTGTGCTGTCCTCCCTCTCTGCCTTCTTTTTTTTTTTT-3'